The following is an entry in ClinVar:

NM_000353.3(TAT):c.859T>C (p.Trp287Arg)

Genes: TAT (tyrosine aminotransferase; minus strand), TAT-AS1 (TAT antisense RNA 1; plus strand). Cytogenetic location: 16q22.2.
Variant type: single nucleotide variant.
Coding change: c.859T>C on transcript NM_000353.3 (MANE Select); coding-DNA position 859, T replaced by C.
Protein change: p.Trp287Arg; replaces tryptophan 287 with arginine.
Molecular consequence: missense variant.
Genome position (GRCh38, 1-based): chr16:71,570,732, A>G on the plus strand (T>C on the coding strand, the complement: TAT is on the minus strand). VCF-style: chr16-71570732-A-G. GRCh37 (hg19) VCF-style: chr16-71604635-A-G.
Other names: short protein forms W287R.
Identifiers: ClinVar variation 4688515 (VCV004688515.1).

ClinVar aggregate classification (germline): Uncertain significance (1 of 4 stars; one submission).

Submission:

Women's Health and Genetics/Laboratory Corporation of America, LabCorp
Classification: Uncertain significance. Last evaluated: 2025-12-05. Review status: criteria provided, single submitter. Criteria: LabCorp Variant Classification Summary - May 2015. Collection method: clinical testing. Allele origin: germline.
Comment: Variant summary: TAT c.859T>C (p.Trp287Arg) results in a non-conservative amino acid change in the encoded protein sequence. Algorithms developed to predict the effect of missense changes on protein structure and function all suggest that this variant is likely to be disruptive. The variant was absent in 251378 control chromosomes (gnomAD). c.859T>C has been observed in one individual affected with Tyrosinemia Type 2 (da Silva_2024). These data indicate that the variant may be associated with disease. To our knowledge, no experimental evidence demonstrating an impact on protein function has been reported. The following publication have been ascertained in the context of this evaluation (PMID: 38408363). No submitters have cited clinical-significance assessments for this variant to ClinVar. Based on the evidence outlined above, the variant was classified as VUS-possibly pathogenic.

Literature cited by the submitters: PubMed 38408363.